The following is an entry in ClinVar:

ClinVar aggregate classification (germline): Uncertain significance. Review status: criteria provided, multiple submitters, no conflicts (2 of 4 stars). 2 submissions from 2 submitters: Uncertain significance (2). Last evaluated 2024-11-15.

Conditions:
Inborn genetic diseases. Identifiers: MedGen C0950123, MeSH D030342.

Allele frequency attached by ClinVar (database versions not stated): ExAC 0.00005; ESP Exome Variant Server 0.00031.
gnomAD v4.1: 83 of 1,613,428 alleles (0.0051%); highest among the groups gnomAD compares: Non-Finnish European, 0.0065%; no homozygotes.

Submissions (2):

Ambry Genetics
Classification: Uncertain significance for Inborn genetic diseases. Last evaluated: 2024-11-15. Review status: criteria provided, single submitter. Criteria: Ambry Variant Classification Scheme 2023. Collection method: clinical testing. Allele origin: germline.

Labcorp Genetics (formerly Invitae), Labcorp
Classification: Uncertain significance. Last evaluated: 2022-08-16. Review status: criteria provided, single submitter. Criteria: Invitae Variant Classification Sherloc (09022015). Collection method: clinical testing. Allele origin: germline.
Comment: This sequence change replaces glutamine, which is neutral and polar, with lysine, which is basic and polar, at codon 227 of the ADAMTSL4 protein (p.Gln227Lys). This variant is present in population databases (rs150189250, gnomAD 0.006%). This variant has not been reported in the literature in individuals affected with ADAMTSL4-related conditions. Algorithms developed to predict the effect of missense changes on protein structure and function (SIFT, PolyPhen-2, Align-GVGD) all suggest that this variant is likely to be tolerated. In summary, the available evidence is currently insufficient to determine the role of this variant in disease. Therefore, it has been classified as a Variant of Uncertain Significance.

NM_019032.6(ADAMTSL4):c.679C>A (p.Gln227Lys)

Genes: ADAMTSL4 (ADAMTS like 4; plus strand), ADAMTSL4-AS2 (ADAMTSL4 antisense RNA 2; minus strand). Cytogenetic location: 1q21.2.
Variant type: single nucleotide variant.
Coding change: c.679C>A on transcript NM_019032.6 (MANE Select); coding-DNA position 679, C replaced by A.
Protein change: p.Gln227Lys; replaces glutamine 227 with lysine.
Molecular consequence: missense variant.
Genome position (GRCh38, 1-based): chr1:150,553,670, C>A. VCF-style: chr1-150553670-C-A. GRCh37 (hg19) VCF-style: chr1-150526146-C-A.
Other names: c.679C>A, p.Gln227Lys (NM_001288607.2, NM_001288608.2, NM_001378596.1 and 1 more transcripts); c.679C>A (NM_019032.4); short protein forms Q227K.
Identifiers: ClinVar variation 1917346 (VCV001917346.3), dbSNP rs150189250, ClinGen allele CA1078017.